The following is an entry in ClinVar:

ClinVar aggregate classification (germline): Conflicting classifications of pathogenicity. Review status: criteria provided, conflicting classifications (1 of 4 stars). 6 submissions from 6 submitters: Uncertain significance (2); Likely benign (4). Last evaluated 2026-06-15.

Conditions:
Hereditary pulmonary alveolar proteinosis. Also called: Pulmonary surfactant metabolism dysfunction. Identifiers: Orphanet 264675, MedGen C3711368, MONDO:0012580.
Interstitial lung disease due to ABCA3 deficiency. Also called: PULMONARY ALVEOLAR PROTEINOSIS, CONGENITAL, 3. Identifiers: Orphanet 440402, MedGen C1970456, MONDO:0012582, OMIM 610921.
ABCA3-related disorder. Also called: ABCA3-related condition.

Allele frequency attached by ClinVar (database versions not stated): gnomAD 0.00001 and 0.00015; TOPMed 0.00003; ExAC 0.00036; gnomAD exomes 0.00039; 1000 Genomes Project 0.00060; 1000 Genomes Project 30x 0.00062.

Submissions (6):

PreventionGenetics, part of Exact Sciences
Classification: Likely benign for ABCA3-related condition. Last evaluated: 2026-06-15. Review status: criteria provided, single submitter. Criteria: ACMG Guidelines, 2015. Collection method: clinical testing. Allele origin: germline.
Comment: This variant is classified as likely benign based on ACMG/AMP sequence variant interpretation guidelines (Richards et al. 2015 PMID: 25741868, with internal and published modifications).

Ambry Genetics
Classification: Likely benign for Hereditary pulmonary alveolar proteinosis. Last evaluated: 2026-03-09. Review status: criteria provided, single submitter. Criteria: Ambry Variant Classification Scheme 2023. Collection method: clinical testing. Allele origin: germline.

Labcorp Genetics (formerly Invitae), Labcorp
Classification: Likely benign. Last evaluated: 2025-11-26. Review status: criteria provided, single submitter. Criteria: Invitae Variant Classification Sherloc (09022015). Collection method: clinical testing. Allele origin: germline.

Blueprint Genetics
Classification: Likely benign. Last evaluated: 2024-11-14. Review status: criteria provided, single submitter. Criteria: ACMG Guidelines, 2015. Collection method: clinical testing. Allele origin: germline.

Illumina Laboratory Services, Illumina
Classification: Uncertain significance for Interstitial lung disease due to ABCA3 deficiency. Last evaluated: 2018-01-12. Review status: criteria provided, single submitter. Criteria: ICSL Variant Classification Criteria 13 December 2019. Collection method: clinical testing. Allele origin: germline.

Breakthrough Genomics
Classification: Uncertain significance. Review status: criteria provided, single submitter. Criteria: ACMG Guidelines, 2015. Collection method: not provided. Allele origin: germline. Inheritance: Autosomal recessive inheritance. Affected: yes.

NM_001089.3(ABCA3):c.1750C>T (p.Pro584Ser)

Gene: ABCA3 (ATP binding cassette subfamily A member 3; minus strand). Cytogenetic location: 16p13.3.
Variant type: single nucleotide variant.
Coding change: c.1750C>T on transcript NM_001089.3 (MANE Select); coding-DNA position 1750, C replaced by T.
Protein change: p.Pro584Ser; replaces proline 584 with serine.
Molecular consequence: missense variant.
Genome position (GRCh38, 1-based): chr16:2,298,532, G>A on the plus strand (C>T on the coding strand, the complement: ABCA3 is on the minus strand). VCF-style: chr16-2298532-G-A. GRCh37 (hg19) VCF-style: chr16-2348533-G-A.
Other names: short protein forms P584S.
Identifiers: ClinVar variation 318503 (VCV000318503.13), dbSNP rs552751331, ClinGen allele CA7841105.